The following is an entry in ClinVar:

NM_002180.3(IGHMBP2):c.2438C>T (p.Ala813Val)

Gene: IGHMBP2 (immunoglobulin mu DNA binding protein 2; plus strand). Cytogenetic location: 11q13.3.
Variant type: single nucleotide variant.
Coding change: c.2438C>T on transcript NM_002180.3 (MANE Select); coding-DNA position 2438, C replaced by T.
Protein change: p.Ala813Val; replaces alanine 813 with valine.
Molecular consequence: missense variant.
Genome position (GRCh38, 1-based): chr11:68,936,918, C>T. VCF-style: chr11-68936918-C-T. GRCh37 (hg19) VCF-style: chr11-68704386-C-T.
Other names: c.2438C>T (NM_002180.2); short protein forms A813V.
Identifiers: ClinVar variation 1507639 (VCV001507639.9), dbSNP rs779854653, ClinGen allele CA6153910.

ClinVar aggregate classification (germline): Conflicting classifications of pathogenicity. Review status: criteria provided, conflicting classifications (1 of 4 stars). 4 submissions from 4 submitters: Uncertain significance (3); Likely benign (1). Last evaluated 2025-04-25.

Conditions:
Inborn genetic diseases. Identifiers: MedGen C0950123, MeSH D030342.
Autosomal recessive distal spinal muscular atrophy 1. Also called: NEURONOPATHY, SEVERE INFANTILE AXONAL, WITH RESPIRATORY FAILURE; SEVERE INFANTILE AXONAL NEUROPATHY WITH RESPIRATORY FAILURE; SPINAL MUSCULAR ATROPHY, DIAPHRAGMATIC; NEURONOPATHY, DISTAL HEREDITARY MOTOR, HARDING TYPE VI; NEUROPATHY, DISTAL HEREDITARY MOTOR, AUTOSOMAL RECESSIVE 1; Spinal muscular atrophy with respiratory distress 1. Identifiers: Orphanet 98920, MedGen C1858517, MONDO:0011436, OMIM 604320.
Charcot-Marie-Tooth disease axonal type 2S. Also called: CHARCOT-MARIE-TOOTH DISEASE, AXONAL, AUTOSOMAL RECESSIVE, TYPE 2S; CHARCOT-MARIE-TOOTH NEUROPATHY, TYPE 2S. Identifiers: Orphanet 443073, MedGen C4015349, MONDO:0014511, OMIM 616155.

Allele frequency attached by ClinVar (database versions not stated): gnomAD 0.00001; TOPMed 0.00001.
gnomAD v4.1: 20 of 1,604,738 alleles (0.0012%); highest among the groups gnomAD compares: South Asian, 0.0033%; no homozygotes.

Submissions (4):

Ambry Genetics
Classification: Likely benign for Inborn genetic diseases. Last evaluated: 2025-04-25. Review status: criteria provided, single submitter. Criteria: Ambry Variant Classification Scheme 2023. Collection method: clinical testing. Allele origin: germline.

GeneDx
Classification: Uncertain significance. Last evaluated: 2023-05-07. Review status: criteria provided, single submitter. Criteria: GeneDx Variant Classification Process June 2021. Collection method: clinical testing. Allele origin: germline. Affected: yes.
Comment: Not observed at significant frequency in large population cohorts (gnomAD); In silico analysis supports that this missense variant does not alter protein structure/function; Has not been previously published as pathogenic or benign to our knowledge

Labcorp Genetics (formerly Invitae), Labcorp
Classification: Uncertain significance for Autosomal recessive distal spinal muscular atrophy 1; Charcot-Marie-Tooth disease axonal type 2S. Last evaluated: 2021-08-31. Review status: criteria provided, single submitter. Criteria: Invitae Variant Classification Sherloc (09022015). Collection method: clinical testing. Allele origin: germline.
Comment: This sequence change replaces alanine with valine at codon 813 of the IGHMBP2 protein (p.Ala813Val). The alanine residue is weakly conserved and there is a small physicochemical difference between alanine and valine. This variant is present in population databases (rs779854653, ExAC 0.01%). This variant has not been reported in the literature in individuals affected with IGHMBP2-related conditions. Advanced modeling of protein sequence and biophysical properties (such as structural, functional, and spatial information, amino acid conservation, physicochemical variation, residue mobility, and thermodynamic stability) performed at Invitae indicates that this missense variant is not expected to disrupt IGHMBP2 protein function. In summary, the available evidence is currently insufficient to determine the role of this variant in disease. Therefore, it has been classified as a Variant of Uncertain Significance.

Revvity Omics, Revvity
Classification: Uncertain significance. Last evaluated: 2019-04-03. Review status: criteria provided, single submitter. Criteria: ACMG Guidelines, 2015. Collection method: clinical testing. Allele origin: germline.